The following is an entry in ClinVar:

NM_000051.4(ATM):c.8473C>T (p.Gln2825Ter)

Genes: ATM (ATM serine/threonine kinase; plus strand), C11orf65 (chromosome 11 open reading frame 65; minus strand). Cytogenetic location: 11q22.3.
Variant type: single nucleotide variant.
Coding change: c.8473C>T on transcript NM_000051.4 (MANE Select); coding-DNA position 8473, C replaced by T.
Protein change: p.Gln2825Ter; replaces glutamine 2825 with a stop codon.
Molecular consequence: nonsense. On other transcripts: intron variant (2).
Genome position (GRCh38, 1-based): chr11:108,345,797, C>T. VCF-style: chr11-108345797-C-T. GRCh37 (hg19) VCF-style: chr11-108216524-C-T.
Other names: NM_000051.4(ATM):c.8473C>T; p.Gln2825Ter; c.8473C>T, p.Gln2825Ter (NM_001351834.2); c.641-36726G>A (NM_001330368.2); c.695-10505G>A (NM_001351110.2); short protein forms Q2825*.
Identifiers: ClinVar variation 140907 (VCV000140907.36), dbSNP rs587781363, ClinGen allele CA163889.

ClinVar aggregate classification (germline): Pathogenic. Review status: reviewed by expert panel (3 of 4 stars). 10 submissions from 10 submitters: Pathogenic (1). 9 of the submissions do not count toward it. Last evaluated 2025-09-21.

Conditions:
ATM-related cancer predisposition. Also called: ATM-related cancer susceptibility. Identifiers: MedGen CN377759, MONDO:0700270.
Hereditary cancer-predisposing syndrome. Also called: Neoplastic Syndromes, Hereditary; Hereditary Cancer Syndrome; Tumor predisposition; Hereditary neoplastic syndrome. Identifiers: Orphanet 140162, MedGen C0027672, MeSH D009386, MONDO:0015356.
Familial cancer of breast. Also called: BREAST CANCER, FAMILIAL; hereditary breast carcinoma; Hereditary breast cancer. Identifiers: Orphanet 227535, MedGen C0346153, MONDO:0016419, OMIM 114480. Disease mechanism: loss of function.
Ataxia-telangiectasia syndrome (AT). Also called: Ataxia-telangiectasia, complementation group D; AT, COMPLEMENTATION GROUP C; Ataxia-telangiectasia; ATAXIA-TELANGIECTASIA, COMPLEMENTATION GROUP A; ATAXIA-TELANGIECTASIA, FRESNO VARIANT; Ataxia-telangiectasia, complementation group E. Identifiers: Orphanet 100, MedGen C0004135, MONDO:0008840, OMIM 208900.

Allele frequency attached by ClinVar (database versions not stated): gnomAD exomes below 0.00001.
gnomAD v4.1: 1 of 1,613,622 alleles (0.000062%); highest among the groups gnomAD compares: South Asian, 0.0011%; no homozygotes.

Submissions (10):

ClinGen Hereditary Breast, Ovarian and Pancreatic Cancer Variant Curation Expert Panel, ClinGen
Classification: Pathogenic for ATM-related cancer predisposition. Last evaluated: 2025-09-21. Review status: reviewed by expert panel. Criteria: ClinGen HBOP ACMG Specifications ATM V1.3.0. Collection method: curation. Allele origin: germline. Inheritance: Autosomal dominant inheritance.
Comment: The c.8473C>T (p.Gln2825T*) variant in ATM is a nonsense variant predicted to cause a premature stop codon in biologically-relevant-exon leading to nonsense mediated decay in a gene in which loss-of-function is an established disease mechanism. This alteration results in a termination codon upstream of the most C-terminus pathogenic alteration (ATM p.Arg3047*), as classified by the HBOP VCEP, and is expected to be more deleterious. This variant has been detected in at least 3 individuals with Ataxia-Telangiectasia (PMID: 26896183, 35260754, 16941484). The highest minor allele frequency in gnomAD v4.1.0 is 0.00001098 (1/91054 alleles) in the South Asian population; while this is higher than the HBOP VCEP threshold (≤0.00001) for PM2_Supporting, it is present in only one allele, meeting this criterion. In summary, this variant meets criteria to be classified as pathogenic for autosomal dominant ATM-related cancer predisposition and autosomal recessive Ataxia-Telangiectasia based on the ACMG/AMP criteria applied as specified by the HBOP VCEP. (PVS1, PM5_Supporting, PM3_VeryStrong, PM2_Supporting)

Labcorp Genetics (formerly Invitae), Labcorp
Classification: Pathogenic for Ataxia-telangiectasia syndrome. Last evaluated: 2025-10-23. Review status: criteria provided, single submitter. Criteria: Invitae Variant Classification Sherloc (09022015). Collection method: clinical testing. Allele origin: germline. Not counted in ClinVar's aggregate classification.
Comment: This sequence change creates a premature translational stop signal (p.Gln2825*) in the ATM gene. It is expected to result in an absent or disrupted protein product. Loss-of-function variants in ATM are known to be pathogenic (PMID: 23807571, 25614872). This variant is not present in population databases (gnomAD no frequency). This premature translational stop signal has been observed in individual(s) with ataxia-telangiectasia and breast cancer (PMID: 9054948, 16941484, 17910737, 19691550). ClinVar contains an entry for this variant (Variation ID: 140907). For these reasons, this variant has been classified as Pathogenic.

Ambry Genetics
Classification: Pathogenic for Hereditary cancer-predisposing syndrome. Last evaluated: 2024-11-21. Review status: criteria provided, single submitter. Criteria: Ambry Variant Classification Scheme 2023. Collection method: clinical testing. Allele origin: germline. Not counted in ClinVar's aggregate classification.
Comment: The p.Q2825* pathogenic mutation (also known as c.8473C>T), located in coding exon 57 of the ATM gene, results from a C to T substitution at nucleotide position 8473. This changes the amino acid from a glutamine to a stop codon within coding exon 57. This mutation has been reported in the homozygous state and compound heterozygous state in patients with ataxia-telangiectasia (Chun HH et al. Int J Cancer, 2002 Feb;97:726-31; Cavalieri S at al. Hum. Mutat. 2006 Oct;27:1061; Jackson TJ et al. Dev Med Child Neurol, 2016 07;58:690-7). This variant is considered to be rare based on population cohorts in the Genome Aggregation Database (gnomAD). In addition to the clinical data presented in the literature, this alteration is expected to result in loss of function by premature protein truncation or nonsense-mediated mRNA decay. As such, this alteration is interpreted as a disease-causing mutation.

Baylor Genetics
Classification: Pathogenic for Familial cancer of breast. Last evaluated: 2024-02-19. Review status: criteria provided, single submitter. Criteria: ACMG Guidelines, 2015. Collection method: clinical testing. Allele origin: unknown. Not counted in ClinVar's aggregate classification.

Myriad Genetics, Inc.
Classification: Pathogenic for Familial cancer of breast. Last evaluated: 2024-02-02. Review status: criteria provided, single submitter. Criteria: Myriad Autosomal Dominant, Autosomal Recessive and X-Linked Classification Criteria (2023). Collection method: clinical testing. Allele origin: unknown. Not counted in ClinVar's aggregate classification.
Comment: This variant is considered pathogenic. This variant creates a termination codon and is predicted to result in premature protein truncation.

Color Diagnostics, LLC DBA Color Health
Classification: Pathogenic for Hereditary cancer-predisposing syndrome. Last evaluated: 2023-01-26. Review status: criteria provided, single submitter. Criteria: ACMG Guidelines, 2015. Collection method: clinical testing. Allele origin: germline. Not counted in ClinVar's aggregate classification.
Comment: This variant changes 1 nucleotide in exon 58 of the ATM gene, creating a premature translation stop signal. This variant is expected to result in an absent or non-functional protein product. This variant has been observed in the compound heterozygous state and homozygous state in individuals affected with ataxia-telangiectasia (PMID: 11857346, 16941484, 19691550, 26896183, 35260754), indicating that this variant contributes to disease. Patient-derived cells showed no protein expression and were radiosensitive (PMID: 11857346). This variant has also been reported in individuals affected with breast cancer (PMID: 30385609) or gastric adenocarcinoma (PMID: 32963463). This variant has not been identified in the general population by the Genome Aggregation Database (gnomAD). Loss of ATM function is a known mechanism of disease. Based on the available evidence, this variant is classified as Pathogenic.

Women's Health and Genetics/Laboratory Corporation of America, LabCorp
Classification: Pathogenic for Ataxia-telangiectasia syndrome. Last evaluated: 2022-04-11. Review status: criteria provided, single submitter. Criteria: LabCorp Variant Classification Summary - May 2015. Collection method: clinical testing. Allele origin: germline. Not counted in ClinVar's aggregate classification.
Comment: Variant summary: ATM c.8473C>T (p.Gln2825X) results in a premature termination codon, predicted to cause a truncation of the encoded protein or absence of the protein due to nonsense mediated decay, which are commonly known mechanisms for disease. Truncations downstream of this position have been classified as pathogenic by our laboratory. The variant was absent in 251310 control chromosomes (gnomAD). c.8473C>T has been reported in the literature in multiple individuals affected with Ataxia-Telangiectasia and breast cancer (e.g. Cavalieri_2006, Jackson_2016, Li_2018). These data indicate that the variant is very likely to be associated with disease. Experimental evidence demonstrated absence of protein expression and kinase activity in cells derived from a patient homozygous for the variant (Jackson_2016). Four ClinVar submitters (evaluation after 2014) cite the variant as pathogenic. Based on the evidence outlined above, the variant was classified as pathogenic.

Genetic Services Laboratory, University of Chicago
Classification: Pathogenic. Last evaluated: 2018-04-02. Review status: criteria provided, single submitter. Criteria: ACMG Guidelines, 2015. Collection method: clinical testing. Allele origin: germline. Affected: yes. Not counted in ClinVar's aggregate classification.

GeneDx
Classification: Pathogenic. Last evaluated: 2018-03-21. Review status: criteria provided, single submitter. Criteria: GeneDx Variant Classification (06012015). Collection method: clinical testing. Allele origin: germline. Affected: yes. Not counted in ClinVar's aggregate classification.
Comment: This variant is denoted ATM c.8473C>T at the cDNA level and p.Gln2825Ter (Q2825X) at the proteinlevel. The substitution creates a nonsense variant, which changes a Glutamine to a premature stop codon (CAA>TAA),and is predicted to cause loss of normal protein function through either protein truncation or nonsense-mediated mRNAdecay. This variant has been reported in an individual with early-onset breast cancer and has been observed in thecompound heterozygous state in at least two patients with ataxia-telangiectasia (FitzGerald 1997, Chun 2002, Cavalieri2006). We consider this variant to be pathogenic

Natera, Inc.
Classification: Pathogenic for Ataxia-telangiectasia. Last evaluated: 2021-08-13. Review status: no assertion criteria provided. Collection method: clinical testing. Allele origin: germline. Not counted in ClinVar's aggregate classification.

Literature cited by the submitters: PubMed 23807571 (cited by Labcorp Genetics (formerly Invitae), Labcorp); PubMed 25614872 (cited by Labcorp Genetics (formerly Invitae), Labcorp); PubMed 9054948 (cited by Labcorp Genetics (formerly Invitae), Labcorp); PubMed 16941484 (cited by 3 submitters); PubMed 17910737 (cited by Labcorp Genetics (formerly Invitae), Labcorp); PubMed 19691550 (cited by Labcorp Genetics (formerly Invitae), Labcorp and Color Diagnostics, LLC DBA Color Health); PubMed 11857346 (cited by Ambry Genetics and Color Diagnostics, LLC DBA Color Health); PubMed 26896183 (cited by 3 submitters); PubMed 30385609 (cited by 3 submitters); PubMed 32963463 (cited by Ambry Genetics and Color Diagnostics, LLC DBA Color Health); PubMed 35260754 (cited by Color Diagnostics, LLC DBA Color Health).